The following is an entry in ClinVar:

NM_002615.7(SERPINF1):c.1096G>T (p.Glu366Ter)

Gene: SERPINF1 (serpin family F member 1; plus strand). Cytogenetic location: 17p13.3.
Variant type: single nucleotide variant.
Coding change: c.1096G>T on transcript NM_002615.7 (MANE Select); coding-DNA position 1096, G replaced by T.
Protein change: p.Glu366Ter; replaces glutamic acid 366 with a stop codon.
Molecular consequence: nonsense.
Genome position (GRCh38, 1-based): chr17:1,777,285, G>T. VCF-style: chr17-1777285-G-T. GRCh37 (hg19) VCF-style: chr17-1680579-G-T.
Other names: c.1096G>T, p.Glu366Ter (NM_001329903.2); c.535G>T, p.Glu179Ter (NM_001329904.2, NM_001329905.2); short protein forms E179*, E366*.
Identifiers: ClinVar variation 3618020 (VCV003618020.2).

ClinVar aggregate classification (germline): Pathogenic (1 of 4 stars; one submission).

Submission:

Labcorp Genetics (formerly Invitae), Labcorp
Classification: Pathogenic. Last evaluated: 2024-10-12. Review status: criteria provided, single submitter. Criteria: Invitae Variant Classification Sherloc (09022015). Collection method: clinical testing. Allele origin: germline.
Comment: This sequence change creates a premature translational stop signal (p.Glu366*) in the SERPINF1 gene. While this is not anticipated to result in nonsense mediated decay, it is expected to disrupt the last 53 amino acid(s) of the SERPINF1 protein. This variant is present in population databases (no rsID available, gnomAD 0.002%). This variant has not been reported in the literature in individuals affected with SERPINF1-related conditions. This variant disrupts a region of the SERPINF1 protein in which other variant(s) (p.Phe384Leufs*9) have been determined to be pathogenic (PMID: 25565926). This suggests that this is a clinically significant region of the protein, and that variants that disrupt it are likely to be disease-causing. For these reasons, this variant has been classified as Pathogenic.

Literature cited by the submitters: PubMed 25565926.